The following is an entry in ClinVar:

NM_000059.4(BRCA2):c.566_567insG (p.Asp189fs)

Gene: BRCA2 (BRCA2 DNA repair associated; plus strand). Cytogenetic location: 13q13.1.
Variant type: Insertion.
Coding change: c.566_567insG on transcript NM_000059.4 (MANE Select); coding-DNA positions 566 to 567, G inserted.
Protein change: p.Asp189fs; shifts the reading frame from aspartic acid 189.
Molecular consequence: frameshift variant.
Genome position: GRCh38 VCF-style: chr13-32326548-A-AG. GRCh37 (hg19) VCF-style: chr13-32900685-A-AG.
Other names: 794insG; short protein forms D189fs.
Identifiers: ClinVar variation 266888 (VCV000266888.6), dbSNP rs886040603, ClinGen allele CA10589032.

ClinVar aggregate classification (germline): Pathogenic. Review status: reviewed by expert panel (3 of 4 stars). 3 submissions from 3 submitters: Pathogenic (1). 2 of the submissions do not count toward it. Last evaluated 2016-10-18.

Conditions:
Breast-ovarian cancer, familial, susceptibility to, 2 (BROVCA2). Also called: BRCA2 Hereditary Breast and Ovarian Cancer. Identifiers: Orphanet 145, MedGen C2675520, MONDO:0012933, OMIM 612555. Disease mechanism: loss of function.

Submissions (3):

Evidence-based Network for the Interpretation of Germline Mutant Alleles (ENIGMA)
Classification: Pathogenic for Breast-ovarian cancer, familial, susceptibility to, 2. Last evaluated: 2016-10-18. Review status: reviewed by expert panel. Criteria: ENIGMA BRCA1/2 Classification Criteria (2015). Collection method: curation. Allele origin: germline.
Comment: Variant allele predicted to encode a truncated non-functional protein.

Myriad Genetics, Inc.
Classification: Pathogenic for Breast-ovarian cancer, familial, susceptibility to, 2. Last evaluated: 2023-08-03. Review status: criteria provided, single submitter. Criteria: Myriad Autosomal Dominant, Autosomal Recessive and X-Linked Classification Criteria (2023). Collection method: clinical testing. Allele origin: unknown. Not counted in ClinVar's aggregate classification.
Comment: This variant is considered pathogenic. This variant creates a frameshift predicted to result in premature protein truncation.

Consortium of Investigators of Modifiers of BRCA1/2 (CIMBA), c/o University of Cambridge
Classification: Pathogenic for Breast-ovarian cancer, familial, susceptibility to, 2. Last evaluated: 2015-10-02. Review status: criteria provided, single submitter. Criteria: CIMBA Mutation Classification guidelines May 2016. Collection method: clinical testing. Allele origin: germline. Not counted in ClinVar's aggregate classification.